The following is an entry in ClinVar:

NM_016216.4(DBR1):c.461G>A (p.Arg154Lys)

Gene: DBR1 (debranching RNA lariats 1; minus strand). Cytogenetic location: 3q22.3.
Variant type: single nucleotide variant.
Coding change: c.461G>A on transcript NM_016216.4 (MANE Select); coding-DNA position 461, G replaced by A.
Protein change: p.Arg154Lys; replaces arginine 154 with lysine.
Molecular consequence: missense variant.
Genome position (GRCh38, 1-based): chr3:138,170,135, C>T on the plus strand (G>A on the coding strand, the complement: DBR1 is on the minus strand). VCF-style: chr3-138170135-C-T. GRCh37 (hg19) VCF-style: chr3-137888977-C-T.
Other names: short protein forms R154K.
Identifiers: ClinVar variation 4796010 (VCV004796010.1).
Genomic context (GRCh38, chr3:138,170,135, plus strand): 5'-TTCAAGTCTGCTGTAATGCGCTTTTTACGTACCTGTTTTAATTTATAGACTTCAATATTT[C>T]TCACATGATATATACTCCTGATTGTAGATGAATTATAAGGGGGGCACTCAAAATGACCTT-3'
Protein context (NP_057300.2, residues 144-164): SSTIRSIYHV[Arg154Lys]NIEVYKLKQL

ClinVar aggregate classification (germline): Uncertain significance (1 of 4 stars; one submission).

Conditions:
Encephalitis, acute, infection (viral)-induced, susceptibility to, 11. Identifiers: MedGen C5561941, MONDO:0030334, OMIM 619441.

gnomAD v4.1: 3 of 1,598,086 alleles (0.00019%); highest among the groups gnomAD compares: Admixed American, 0.0034%; no homozygotes.

Submission:

Unidad de Genómica Garrahan, Hospital de Pediatría Garrahan
Classification: Uncertain significance for Encephalitis, acute, infection (viral)-induced, susceptibility to, 11. Last evaluated: 2026-02-12. Review status: criteria provided, single submitter. Criteria: ACMG Guidelines, 2015. Collection method: clinical testing. Allele origin: maternal. Inheritance: Autosomal recessive inheritance. Affected: yes.
Comment: A missense variant, NM_016216.4: c.461G>A, was identified in exon 4 of the DBR1 gene in the heterozygous state. This variant involves a protein substitution of arginine for lysine at position 154 (p.(Arg154Lys)). This variant has an extremely low frequency in population databases (<0.01), in which no homozygotes were identified. Furthermore, the variant has no reports in ClinVar. Bioinformatics prediction assays are also inconsistent in determining the functional impact of the variant.